The following is an entry in ClinVar:

NM_133497.4(KCNV2):c.627G>C (p.Glu209Asp)

Gene: KCNV2 (potassium voltage-gated channel modifier subfamily V member 2; plus strand). Cytogenetic location: 9p24.2.
Variant type: single nucleotide variant.
Coding change: c.627G>C on transcript NM_133497.4 (MANE Select); coding-DNA position 627, G replaced by C.
Protein change: p.Glu209Asp; replaces glutamic acid 209 with aspartic acid.
Molecular consequence: missense variant.
Genome position (GRCh38, 1-based): chr9:2,718,366, G>C. VCF-style: chr9-2718366-G-C. GRCh37 (hg19) VCF-style: chr9-2718366-G-C.
Other names: short protein forms E209D.
Identifiers: ClinVar variation 1450454 (VCV001450454.6), dbSNP rs1383777570, ClinGen allele CA372798565.
Genomic context (GRCh38, chr9:2,718,366, plus strand): 5'-CGTGCGGCTCAAGTACACGCCACGCTGCTGCCGCATCTGCTTCGAGGAGCGGCGCGACGA[G>C]CTGAGCGAACGGCTCAAGATCCAGCACGAGCTGCGCGCGCAGGCGCAGGTCGAGGAGGCG-3'
Protein context (NP_598004.1, residues 199-219): CRICFEERRD[Glu209Asp]LSERLKIQHE

ClinVar aggregate classification (germline): Uncertain significance (1 of 4 stars; one submission).

Submission:

Labcorp Genetics (formerly Invitae), Labcorp
Classification: Uncertain significance. Last evaluated: 2021-11-01. Review status: criteria provided, single submitter. Criteria: Invitae Variant Classification Sherloc (09022015). Collection method: clinical testing. Allele origin: germline.
Comment: In summary, the available evidence is currently insufficient to determine the role of this variant in disease. Therefore, it has been classified as a Variant of Uncertain Significance. Advanced modeling of protein sequence and biophysical properties (such as structural, functional, and spatial information, amino acid conservation, physicochemical variation, residue mobility, and thermodynamic stability) performed at Invitae indicates that this missense variant is not expected to disrupt KCNV2 protein function. This variant has not been reported in the literature in individuals affected with KCNV2-related conditions. This variant is present in population databases (no rsID available, gnomAD 0.007%). This sequence change replaces glutamic acid, which is acidic and polar, with aspartic acid, which is acidic and polar, at codon 209 of the KCNV2 protein (p.Glu209Asp).